The following is an entry in ClinVar:

ClinVar aggregate classification (germline): Uncertain significance (1 of 4 stars; one submission).

Conditions:
Autosomal recessive limb-girdle muscular dystrophy type R18 (LGMDR18). Also called: Limb-girdle muscular dystrophy, type 2S; MUSCULAR DYSTROPHY, LIMB-GIRDLE, AUTOSOMAL RECESSIVE 18; Autosomal recessive limb-girdle muscular dystrophy type 2S. Identifiers: Orphanet 369840, MedGen C4517996, MONDO:0014144, OMIM 615356.

Allele frequency attached by ClinVar (database versions not stated): TOPMed below 0.00001; gnomAD 0.00001.
gnomAD v4.1: 1 of 1,612,868 alleles (0.000062%); highest among the groups gnomAD compares: African/African-American, 0.0013%; no homozygotes.

Submission:

Labcorp Genetics (formerly Invitae), Labcorp
Classification: Uncertain significance for Autosomal recessive limb-girdle muscular dystrophy type R18. Last evaluated: 2021-11-26. Review status: criteria provided, single submitter. Criteria: Invitae Variant Classification Sherloc (09022015). Collection method: clinical testing. Allele origin: germline.
Comment: This sequence change affects codon 520 of the TRAPPC11 mRNA. It is a 'silent' change, meaning that it does not change the encoded amino acid sequence of the TRAPPC11 protein. This variant is not present in population databases (gnomAD no frequency). This variant has not been reported in the literature in individuals affected with TRAPPC11-related conditions. Algorithms developed to predict the effect of sequence changes on RNA splicing suggest that this variant may create or strengthen a splice site. In summary, the available evidence is currently insufficient to determine the role of this variant in disease. Therefore, it has been classified as a Variant of Uncertain Significance.

NM_021942.6(TRAPPC11):c.1560T>A (p.Leu520=)

Gene: TRAPPC11 (trafficking protein particle complex subunit 11; plus strand). Cytogenetic location: 4q35.1.
Variant type: single nucleotide variant.
Coding change: c.1560T>A on transcript NM_021942.6 (MANE Select); coding-DNA position 1560, T replaced by A.
Protein change: p.Leu520=; no amino-acid change (leucine 520 retained).
Molecular consequence: synonymous variant.
Genome position (GRCh38, 1-based): chr4:183,684,834, T>A. VCF-style: chr4-183684834-T-A. GRCh37 (hg19) VCF-style: chr4-184605987-T-A.
Other names: c.1560T>A, p.Leu520= (NM_199053.3).
Identifiers: ClinVar variation 1508234 (VCV001508234.3), dbSNP rs1735883600, ClinGen allele CA442577450.